The following is an entry in ClinVar:

ClinVar aggregate classification (germline): Uncertain significance (1 of 4 stars; one submission).

gnomAD v4.1: 20 of 1,597,922 alleles (0.0013%); highest among the groups gnomAD compares: East Asian, 0.0023%; no homozygotes.

Submission:

Labcorp Genetics (formerly Invitae), Labcorp
Classification: Uncertain significance. Last evaluated: 2026-01-14. Review status: criteria provided, single submitter. Criteria: Invitae Variant Classification Sherloc (09022015). Collection method: clinical testing. Allele origin: germline.
Comment: This sequence change falls in intron 12 of the SETD5 gene. It does not directly change the encoded amino acid sequence of the SETD5 protein. It affects a nucleotide within the consensus splice site. The frequency data for this variant in the population databases is considered unreliable, as metrics indicate poor data quality at this position in the gnomAD database. This variant has not been reported in the literature in individuals affected with SETD5-related conditions. ClinVar contains an entry for this variant (Variation ID: 2174273). Variants that disrupt the consensus splice site are a relatively common cause of aberrant splicing (PMID: 17576681, 9536098). Algorithms developed to predict the effect of sequence changes on RNA splicing suggest that this variant is not likely to affect RNA splicing. In summary, the available evidence is currently insufficient to determine the role of this variant in disease. Therefore, it has been classified as a Variant of Uncertain Significance.

Literature cited by the submitters: PubMed 17576681; PubMed 9536098.

NM_001080517.3(SETD5):c.1440+6C>T

Gene: SETD5 (SET domain containing 5; plus strand). Cytogenetic location: 3p25.3.
Variant type: single nucleotide variant.
Coding change: c.1440+6C>T on transcript NM_001080517.3 (MANE Select); 6 bases into the intron after coding-DNA position 1440, C replaced by T.
Molecular consequence: intron variant.
Genome position (GRCh38, 1-based): chr3:9,445,306, C>T. VCF-style: chr3-9445306-C-T. GRCh37 (hg19) VCF-style: chr3-9486990-C-T.
Other names: c.1146+6C>T (NM_001349451.2, NM_001292043.2).
Identifiers: ClinVar variation 2174273 (VCV002174273.4), dbSNP rs375815611, ClinGen allele CA2239151.